The following is an entry in ClinVar:

ClinVar aggregate classification (germline): Uncertain significance (1 of 4 stars; one submission).

Conditions:
Charcot-Marie-Tooth disease axonal type 2V. Also called: CHARCOT-MARIE-TOOTH NEUROPATHY, TYPE 2V; CHARCOT-MARIE-TOOTH DISEASE, AXONAL, AUTOSOMAL DOMINANT, TYPE 2V. Identifiers: Orphanet 447964, MedGen C5569050, MONDO:0014665, OMIM 616491.
Mucopolysaccharidosis, MPS-III-B (MPS3B). Also called: MPS IIIB (Sanfilippo Syndrome Type B); N-ACETYL-ALPHA-D-GLUCOSAMINIDASE DEFICIENCY; NAGLU DEFICIENCY; MUCOPOLYSACCHARIDOSIS, TYPE IIIB; Mucopolysaccharidosis type IIIB (Sanfilippo B); SANFILIPPO SYNDROME B. Identifiers: Orphanet 79270, MedGen C0086648, MONDO:0009656, OMIM 252920.

Allele frequency attached by ClinVar (database versions not stated): gnomAD exomes 0.00003 and 0.00002; gnomAD 0.00001; ExAC 0.00001.

Submission:

Labcorp Genetics (formerly Invitae), Labcorp
Classification: Uncertain significance for Charcot-Marie-Tooth disease axonal type 2V; Mucopolysaccharidosis, MPS-III-B. Last evaluated: 2022-06-05. Review status: criteria provided, single submitter. Criteria: Invitae Variant Classification Sherloc (09022015). Collection method: clinical testing. Allele origin: germline.
Comment: This sequence change replaces glycine, which is neutral and non-polar, with arginine, which is basic and polar, at codon 202 of the NAGLU protein (p.Gly202Arg). This variant is present in population databases (rs762576999, gnomAD 0.004%). This variant has not been reported in the literature in individuals affected with NAGLU-related conditions. ClinVar contains an entry for this variant (Variation ID: 1400005). Advanced modeling of protein sequence and biophysical properties (such as structural, functional, and spatial information, amino acid conservation, physicochemical variation, residue mobility, and thermodynamic stability) performed at Invitae indicates that this missense variant is expected to disrupt NAGLU protein function. In summary, the available evidence is currently insufficient to determine the role of this variant in disease. Therefore, it has been classified as a Variant of Uncertain Significance.

NM_000263.4(NAGLU):c.604G>A (p.Gly202Arg)

Gene: NAGLU (N-acetyl-alpha-glucosaminidase; plus strand). Cytogenetic location: 17q21.2.
Variant type: single nucleotide variant.
Coding change: c.604G>A on transcript NM_000263.4 (MANE Select); coding-DNA position 604, G replaced by A.
Protein change: p.Gly202Arg; replaces glycine 202 with arginine.
Molecular consequence: missense variant.
Genome position (GRCh38, 1-based): chr17:42,538,411, G>A. VCF-style: chr17-42538411-G-A. GRCh37 (hg19) VCF-style: chr17-40690429-G-A.
Other names: short protein forms G202R.
Identifiers: ClinVar variation 1400005 (VCV001400005.3), dbSNP rs762576999, ClinGen allele CA8576800.